The following is an entry in ClinVar:

ClinVar aggregate classification (germline): Benign (1 of 4 stars; one submission).

Conditions:
Klippel-Feil syndrome 1, autosomal dominant (KFS1). Also called: CERVICAL VERTEBRAL FUSION, AUTOSOMAL DOMINANT. Identifiers: Orphanet 2345, MedGen C1861689, MONDO:0007306, OMIM 118100.

Allele frequency attached by ClinVar (database versions not stated): TOPMed 0.00173; gnomAD 0.00176 and 0.00178; 1000 Genomes Project 0.00200; 1000 Genomes Project 30x 0.00203.

Submission:

Illumina Laboratory Services, Illumina
Classification: Benign for Klippel-Feil syndrome 1, autosomal dominant. Last evaluated: 2018-01-13. Review status: criteria provided, single submitter. Criteria: ICSL Variant Classification Criteria 13 December 2019. Collection method: clinical testing. Allele origin: germline.
Comment: This variant was observed in the ICSL laboratory as part of a predisposition screen in an ostensibly healthy population. It had not been previously curated by ICSL or reported in the Human Gene Mutation Database (HGMD: prior to June 1st, 2018), and was therefore a candidate for classification through an automated scoring system. Utilizing variant allele frequency, disease prevalence and penetrance estimates, and inheritance mode, an automated score was calculated to assess if this variant is too frequent to cause the disease. Based on the score and internal cut-off values, a variant classified as benign is not then subjected to further curation. The score for this variant resulted in a classification of benign for this disease.

NM_001001557.4(GDF6):c.*842T>C

Gene: GDF6 (growth differentiation factor 6; minus strand). Cytogenetic location: 8q22.1.
Variant type: single nucleotide variant.
Coding change: c.*842T>C on transcript NM_001001557.4 (MANE Select); 842 bases downstream of the stop codon, T replaced by C.
Molecular consequence: 3 prime UTR variant.
Genome position (GRCh38, 1-based): chr8:96,143,721, A>G on the plus strand (T>C on the coding strand, the complement: GDF6 is on the minus strand). VCF-style: chr8-96143721-A-G. GRCh37 (hg19) VCF-style: chr8-97155949-A-G.
Identifiers: ClinVar variation 364017 (VCV000364017.5), dbSNP rs192657480, ClinGen allele CA10628455.